The following is an entry in ClinVar:

ClinVar aggregate classification (germline): Pathogenic/Likely pathogenic. Review status: criteria provided, multiple submitters, no conflicts (2 of 4 stars). 6 submissions from 6 submitters: Pathogenic (4); Likely pathogenic (1). 1 of the submissions does not count toward it. Last evaluated 2025-10-29.

Conditions:
Polycystic kidney disease 4 (PKD4). Also called: Autosomal Recessive Polycystic Kidney Disease – PKHD1; POLYCYSTIC KIDNEY AND HEPATIC DISEASE 1; POLYCYSTIC KIDNEY DISEASE, INFANTILE, TYPE I; POLYCYSTIC KIDNEY DISEASE 4 WITH OR WITHOUT POLYCYSTIC LIVER DISEASE; PKD3. Identifiers: MedGen C4540575, MONDO:0033004, OMIM 263200.
Autosomal recessive polycystic kidney disease (ARPKD). Also called: AR polycystic kidney disease. Identifiers: Orphanet 731, Orphanet 8378, MedGen C0085548, MeSH D017044, MONDO:0009889.

Allele frequency attached by ClinVar (database versions not stated): gnomAD exomes below 0.00001 and 0.00002; ExAC 0.00001; gnomAD 0.00001; TOPMed 0.00001.
gnomAD v4.1: 8 of 1,613,972 alleles (0.0005%); highest among the groups gnomAD compares: South Asian, 0.0011%; no homozygotes.

Submissions (6):

Natera, Inc.
Classification: Pathogenic for Autosomal recessive polycystic kidney disease. Last evaluated: 2025-10-29. Review status: criteria provided, single submitter. Criteria: Natera Variant Classification Schema (03/2026). Collection method: clinical testing. Allele origin: germline.
Comment: The c.5513A>G variant in PKHD1 is a missense variant predicted to cause substitution of tyrosine to cysteine at amino acid 1838. This variant is rare in the general population with a frequency below the threshold expected for the associated phenotype(s). This variant has been observed in one or more individuals affected with the associated recessive disease, as either homozygous or compound heterozygous with a second variant (PMID: 37078890, 29956005). Computational prediction algorithms indicate this variant is likely to affect gene or protein function. Given the available evidence, this variant is classified as Pathogenic.

Fulgent Genetics
Classification: Pathogenic for Polycystic kidney disease 4. Last evaluated: 2024-05-25. Review status: criteria provided, single submitter. Criteria: ACMG Guidelines, 2015. Collection method: clinical testing. Allele origin: germline.

Labcorp Genetics (formerly Invitae), Labcorp
Classification: Pathogenic for Autosomal recessive polycystic kidney disease. Last evaluated: 2024-03-18. Review status: criteria provided, single submitter. Criteria: Invitae Variant Classification Sherloc (09022015). Collection method: clinical testing. Allele origin: germline.
Comment: This sequence change replaces tyrosine, which is neutral and polar, with cysteine, which is neutral and slightly polar, at codon 1838 of the PKHD1 protein (p.Tyr1838Cys). This variant is present in population databases (rs777999875, gnomAD 0.004%). This missense change has been observed in individuals with autosomal recessive polycystic kidney disease (PMID: 15698423, 29956005). ClinVar contains an entry for this variant (Variation ID: 370239). Advanced modeling of protein sequence and biophysical properties (such as structural, functional, and spatial information, amino acid conservation, physicochemical variation, residue mobility, and thermodynamic stability) performed at Invitae indicates that this missense variant is expected to disrupt PKHD1 protein function with a positive predictive value of 95%. For these reasons, this variant has been classified as Pathogenic.

Department of Pathology and Laboratory Medicine, Sinai Health System
Classification: Likely pathogenic for Polycystic kidney disease 4. Last evaluated: 2023-12-12. Review status: criteria provided, single submitter. Criteria: ACMG Guidelines, 2015. Collection method: clinical testing. Allele origin: germline. Affected: yes.

Victorian Clinical Genetics Services, Murdoch Childrens Research Institute
Classification: Pathogenic for Polycystic kidney disease 4. Last evaluated: 2023-07-16. Review status: criteria provided, single submitter. Criteria: ACMG Guidelines, 2015. Collection method: clinical testing. Allele origin: germline. Inheritance: Autosomal recessive inheritance. Affected: no.
Comment: Based on the classification scheme VCGS_Germline_v1.3.4, this variant is classified as Pathogenic. Following criteria are met: 0102 - Loss of function is a known mechanism of disease in this gene and is associated with Polycystic kidney disease 4, with or without hepatic disease (MIM#263200). (I) 0106 - This gene is associated with autosomal recessive disease. (I) 0115 - Variants in this gene are known to have variable expressivity (GeneReviews) (I). 0200 - Variant is predicted to result in a missense amino acid change from tyrosine to cysteine. (I) 0251 - This variant is heterozygous. (I) 0304 - Variant is present in gnomAD <0.01 for a recessive condition (v2: 4 heterozygotes, 0 homozygotes). (SP) 0501 - Missense variant consistently predicted to be damaging by multiple in silico tools or highly conserved with a major amino acid change. (SP) 0604 - Variant is not located in an established domain, motif, hotspot or informative constraint region. (I) 0705 - No comparable missense variants have previous evidence for pathogenicity. (I) 0801 - This variant has strong previous evidence of pathogenicity in unrelated individuals. It has been reported in multiple unrelated individuals with autosomal recessive polycystic kidney disease as homozygous or compound heterozygous (ClinVar, LOVD, PMID 34573383; PMID 29956005; PMID 15698423). It may be a founder variant in the Turkish population (PMID 15698423). (SP) 1208 - Inheritance information for this variant is not currently available in this individual. (I) Legend: (SP) - Supporting pathogenic, (I) - Information, (SB) - Supporting benign

Counsyl
Classification: Likely pathogenic for Polycystic kidney disease 4. Last evaluated: 2015-12-23. Review status: no assertion criteria provided. Collection method: clinical testing. Allele origin: unknown. Not counted in ClinVar's aggregate classification.

Literature cited by the submitters: PubMed 37078890 (cited by Natera, Inc.); PubMed 29956005 (cited by 3 submitters); PubMed 15698423 (cited by 4 submitters); PubMed 29956004 (cited by Department of Pathology and Laboratory Medicine, Sinai Health System); PubMed 34573383 (cited by Victorian Clinical Genetics Services, Murdoch Childrens Research Institute); PubMed 24984783 (cited by Counsyl); PubMed 12846734 (cited by Counsyl).

NM_138694.4(PKHD1):c.5513A>G (p.Tyr1838Cys)

Gene: PKHD1 (PKHD1 ciliary IPT domain containing fibrocystin/polyductin; minus strand). Cytogenetic location: 6p12.2.
Variant type: single nucleotide variant.
Coding change: c.5513A>G on transcript NM_138694.4 (MANE Select); coding-DNA position 5513, A replaced by G.
Protein change: p.Tyr1838Cys; replaces tyrosine 1838 with cysteine.
Molecular consequence: missense variant.
Genome position (GRCh38, 1-based): chr6:52,017,497, T>C on the plus strand (A>G on the coding strand, the complement: PKHD1 is on the minus strand). VCF-style: chr6-52017497-T-C. GRCh37 (hg19) VCF-style: chr6-51882295-T-C.
Other names: c.5513A>G, p.Tyr1838Cys (NM_170724.3); short protein forms Y1838C.
Identifiers: ClinVar variation 370239 (VCV000370239.23), dbSNP rs777999875, ClinGen allele CA3852499.